The following is an entry in ClinVar:

NM_020843.4(SCAPER):c.3065T>C (p.Ile1022Thr)

Gene: SCAPER (S-phase cyclin A associated protein in the ER; minus strand). Cytogenetic location: 15q24.3.
Variant type: single nucleotide variant.
Coding change: c.3065T>C on transcript NM_020843.4 (MANE Select); coding-DNA position 3065, T replaced by C.
Protein change: p.Ile1022Thr; replaces isoleucine 1022 with threonine.
Molecular consequence: missense variant. On other transcripts: non-coding transcript variant (1).
Genome position (GRCh38, 1-based): chr15:76,471,225, A>G on the plus strand (T>C on the coding strand, the complement: SCAPER is on the minus strand). VCF-style: chr15-76471225-A-G. GRCh37 (hg19) VCF-style: chr15-76763566-A-G.
Other names: c.3083T>C (NM_001353009.1); c.2327T>C, p.Ile776Thr (NM_001145923.2); c.3083T>C, p.Ile1028Thr (NM_001353009.2); c.2663T>C, p.Ile888Thr (NM_001353010.2, NM_001353012.2); c.2681T>C, p.Ile894Thr (NM_001353011.2); short protein forms I1022T, I1028T, I776T, I888T, I894T.
Identifiers: ClinVar variation 1184367 (VCV001184367.2), dbSNP rs780523439, ClinGen allele CA7674545.

ClinVar aggregate classification (germline): Uncertain significance. Review status: criteria provided, multiple submitters, no conflicts (2 of 4 stars). 2 submissions from 2 submitters: Uncertain significance (2). Last evaluated 2026-02-10.

Conditions:
SCAPER-related disorder. Also called: SCAPER-related condition.
Intellectual developmental disorder and retinitis pigmentosa; IDDRP. Also called: INTELLECTUAL DEVELOPMENTAL DISORDER AND RETINITIS PIGMENTOSA. Identifiers: MedGen C4748658, MONDO:0032594, OMIM 618195.

Allele frequency attached by ClinVar (database versions not stated): gnomAD 0.00001; TOPMed 0.00002; gnomAD exomes 0.00003 and 0.00005; ExAC 0.00007.
gnomAD v4.1: 17 of 1,610,110 alleles (0.0011%); highest among the groups gnomAD compares: Admixed American, 0.029%; no homozygotes.

Submissions (2):

PreventionGenetics, part of Exact Sciences
Classification: Uncertain significance for SCAPER-related condition. Last evaluated: 2026-02-10. Review status: criteria provided, single submitter. Criteria: ACMG Guidelines, 2015. Collection method: clinical testing. Allele origin: germline.
Comment: The SCAPER c.3083T>C variant is predicted to result in the amino acid substitution p.Ile1028Thr. To our knowledge, this variant has not been reported in the literature. This variant is reported in 0.038% of alleles in individuals of Latino descent in gnomAD. At this time, the clinical significance of this variant is uncertain due to the absence of conclusive functional and genetic evidence.

New York Genome Center
Classification: Uncertain significance for Intellectual developmental disorder and retinitis pigmentosa; IDDRP. Last evaluated: 2020-06-11. Review status: criteria provided, single submitter. Criteria: NYGC Assertion Criteria 2020. Collection method: clinical testing. Allele origin: germline. Observed: 1 heterozygote. Study: CSER-NYCKidSeq.